The following is an entry in ClinVar:

NM_001267550.2(TTN):c.23068G>T (p.Ala7690Ser)

Gene: TTN (titin; minus strand). Cytogenetic location: 2q31.2.
Variant type: single nucleotide variant.
Coding change: c.23068G>T on transcript NM_001267550.2 (MANE Select); coding-DNA position 23068, G replaced by T.
Protein change: p.Ala7690Ser; replaces alanine 7690 with serine.
Molecular consequence: missense variant. On other transcripts: intron variant (3).
Genome position (GRCh38, 1-based): chr2:178,720,951, C>A on the plus strand (G>T on the coding strand, the complement: TTN is on the minus strand). VCF-style: chr2-178720951-C-A. GRCh37 (hg19) VCF-style: chr2-179585678-C-A.
Other names: p.Ala7373Ser; c.22117G>T, p.Ala7373Ser (NM_001256850.1); c.19336G>T, p.Ala6446Ser (NM_133378.4); c.13282+17131G>T (NM_003319.4); c.13858+17131G>T (NM_133437.4); c.13657+17131G>T (NM_133432.3); short protein forms A7690S, A7373S, A6446S.
Identifiers: ClinVar variation 466917 (VCV000466917.6), dbSNP rs763029699, ClinGen allele CA349516467.
Genomic context (GRCh38, chr2:178,720,951, plus strand): 5'-AAAGAAACAAAGAAGCTTAGTGTGTCTAACCTTTCACTGTCAACGCTGTGCTGCAGCTGG[C>A]GTCACCAACACCATTATGAGCCTCACAAATGTAGTCCCCGCTGTCTTCAGCACTAGCTTC-3'
Protein context (NP_001254479.2, residues 7680-7700): ICEAHNGVGD[Ala7690Ser]SCSTALTVKA

ClinVar aggregate classification (germline): Uncertain significance. Review status: criteria provided, multiple submitters, no conflicts (2 of 4 stars). 3 submissions from 3 submitters: Uncertain significance (3). Last evaluated 2025-08-17.

Conditions:
Autosomal recessive limb-girdle muscular dystrophy type 2J (LGMDR10). Also called: Limb-girdle muscular dystrophy, type 2J; MUSCULAR DYSTROPHY, LIMB-GIRDLE, AUTOSOMAL RECESSIVE 10. Identifiers: Orphanet 140922, MedGen C1837342, MONDO:0012127, OMIM 608807.
Dilated cardiomyopathy 1G (CMD1G). Identifiers: Orphanet 154, MedGen C1858763, MONDO:0011400, OMIM 604145.

Allele frequency attached by ClinVar (database versions not stated): TOPMed 0.00001.
gnomAD v4.1: 8 of 1,598,048 alleles (0.0005%); highest among the groups gnomAD compares: Non-Finnish European, 0.00069%; no homozygotes.

Submissions (3):

Mayo Clinic Laboratories, Mayo Clinic
Classification: Uncertain significance. Last evaluated: 2025-08-17. Review status: criteria provided, single submitter. Criteria: ACMG Guidelines, 2015. Collection method: clinical testing. Allele origin: germline. Observed: 1 variant allele.
Comment: PM2_supporting

Revvity Omics, Revvity
Classification: Uncertain significance. Last evaluated: 2023-07-17. Review status: criteria provided, single submitter. Criteria: ACMG Guidelines, 2015. Collection method: clinical testing. Allele origin: germline.

Labcorp Genetics (formerly Invitae), Labcorp
Classification: Uncertain significance for Dilated cardiomyopathy 1G; Autosomal recessive limb-girdle muscular dystrophy type 2J. Last evaluated: 2017-04-27. Review status: criteria provided, single submitter. Criteria: Invitae Variant Classification Sherloc (09022015). Collection method: clinical testing. Allele origin: germline.